The following is an entry in ClinVar:

ClinVar aggregate classification (germline): Uncertain significance (1 of 4 stars; one submission).

Conditions:
RASopathy. Also called: rasopathies; Noonan spectrum disorder. Identifiers: Orphanet 536391, MedGen C5555857, MONDO:0021060.

Allele frequency attached by ClinVar (database versions not stated): gnomAD exomes below 0.00001; ExAC 0.00001.
gnomAD v4.1: 1 of 1,613,200 alleles (0.000062%); highest among the groups gnomAD compares: Admixed American, 0.0017%; no homozygotes.

Submission:

Labcorp Genetics (formerly Invitae), Labcorp
Classification: Uncertain significance for RASopathy. Last evaluated: 2021-07-13. Review status: criteria provided, single submitter. Criteria: Invitae Variant Classification Sherloc (09022015). Collection method: clinical testing. Allele origin: germline.
Comment: In summary, the available evidence is currently insufficient to determine the role of this variant in disease. Therefore, it has been classified as a Variant of Uncertain Significance. Advanced modeling of protein sequence and biophysical properties (such as structural, functional, and spatial information, amino acid conservation, physicochemical variation, residue mobility, and thermodynamic stability) performed at Invitae indicates that this missense variant is not expected to disrupt MAP2K2 protein function. This variant has not been reported in the literature in individuals affected with MAP2K2-related conditions. This variant is present in population databases (rs775940718, ExAC 0.009%). This sequence change replaces proline with threonine at codon 314 of the MAP2K2 protein (p.Pro314Thr). The proline residue is moderately conserved and there is a small physicochemical difference between proline and threonine.

NM_030662.4(MAP2K2):c.940C>A (p.Pro314Thr)

Gene: MAP2K2 (mitogen-activated protein kinase kinase 2; minus strand). Cytogenetic location: 19p13.3.
Variant type: single nucleotide variant.
Coding change: c.940C>A on transcript NM_030662.4 (MANE Select); coding-DNA position 940, C replaced by A.
Protein change: p.Pro314Thr; replaces proline 314 with threonine.
Molecular consequence: missense variant.
Genome position (GRCh38, 1-based): chr19:4,097,323, G>T on the plus strand (C>A on the coding strand, the complement: MAP2K2 is on the minus strand). VCF-style: chr19-4097323-G-T. GRCh37 (hg19) VCF-style: chr19-4097321-G-T.
Other names: short protein forms P314T.
Identifiers: ClinVar variation 1374944 (VCV001374944.8), dbSNP rs775940718, ClinGen allele CA9090758.
Genomic context (GRCh38, chr19:4,097,323, plus strand): 5'-GGCATCAAGCACAAACCTCGTTCACAATATAGTCCAGGAGTTCAAAGATGGCCATGGCAG[G>T]CCGGCTATCCATCCCGTGACCTGCACAGGGAGAGAGATGGAGGTGAGATGGGCCGATGGC-3'
Protein context (NP_109587.1, residues 304-324): PVSGHGMDSR[Pro314Thr]AMAIFELLDY